The following is an entry in ClinVar:

ClinVar aggregate classification (germline): Benign/Likely benign. Review status: criteria provided, multiple submitters, no conflicts (2 of 4 stars). 6 submissions from 6 submitters: Benign (4); Likely benign (1). 1 of the submissions does not count toward it. Last evaluated 2026-02-03.

Conditions:
Mitochondrial DNA depletion syndrome 11 (MTDPS11). Identifiers: Orphanet 352447, MedGen C3554462, MONDO:0014039, OMIM 615084.

Allele frequency attached by ClinVar (database versions not stated): 1000 Genomes Project 0.08526; 1000 Genomes Project 30x 0.08542; gnomAD 0.09890 and 0.10013; gnomAD exomes 0.10164; TOPMed 0.10221; ExAC 0.10407; ESP Exome Variant Server 0.11087.
gnomAD v4.1: 189,506 of 1,613,380 alleles (12%); highest among the groups gnomAD compares: Middle Eastern, 18%; 11,807 homozygotes.

Submissions (14):

Labcorp Genetics (formerly Invitae), Labcorp
Classification: Benign. Last evaluated: 2026-02-03. Review status: criteria provided, single submitter. Criteria: Invitae Variant Classification Sherloc (09022015). Collection method: clinical testing. Allele origin: germline.

Blueprint Genetics
Classification: Likely benign. Last evaluated: 2024-11-28. Review status: criteria provided, single submitter. Criteria: ACMG Guidelines, 2015. Collection method: clinical testing. Allele origin: germline.

Genome-Nilou Lab
Classification: Benign for Mitochondrial DNA depletion syndrome 11. Last evaluated: 2021-09-05. Review status: criteria provided, single submitter. Criteria: ACMG Guidelines, 2015. Collection method: clinical testing. Allele origin: germline. Affected: no.

GeneDx
Classification: Benign. Last evaluated: 2015-12-16. Review status: criteria provided, single submitter. Criteria: GeneDx Variant Classification (06012015). Collection method: clinical testing. Allele origin: germline. Affected: yes.
Comment: This variant is considered likely benign or benign based on one or more of the following criteria: it is a conservative change, it occurs at a poorly conserved position in the protein, it is predicted to be benign by multiple in silico algorithms, and/or has population frequency not consistent with disease.

Breakthrough Genomics
Classification: Benign. Review status: criteria provided, single submitter. Criteria: ACMG Guidelines, 2015. Collection method: not provided. Allele origin: germline. Inheritance: Autosomal recessive inheritance. Affected: yes.

Mayo Clinic Laboratories, Mayo Clinic
Classification: Benign. Last evaluated: 2016-02-22. Review status: no assertion criteria provided. Collection method: clinical testing. Allele origin: unknown. Not counted in ClinVar's aggregate classification.

Dr. Peter K. Rogan Lab, Western University
No classification provided (evidence only). Condition: Malignant lymphoma, large B-cell, diffuse. Review status: no classification provided. Collection method: in vitro. Allele origin: not applicable. Functional consequence: retained intron. Not counted in ClinVar's aggregate classification.

Dr. Peter K. Rogan Lab, Western University
No classification provided (evidence only). Condition: Malignant lymphoma, large B-cell, diffuse. Review status: no classification provided. Collection method: in vitro. Allele origin: not applicable. Functional consequence: retained intron. Not counted in ClinVar's aggregate classification.

Dr. Peter K. Rogan Lab, Western University
No classification provided (evidence only). Condition: Malignant lymphoma, large B-cell, diffuse. Review status: no classification provided. Collection method: in vitro. Allele origin: not applicable. Functional consequence: retained intron. Not counted in ClinVar's aggregate classification.

Dr. Peter K. Rogan Lab, Western University
No classification provided (evidence only). Condition: Adrenocortical carcinoma, hereditary. Review status: no classification provided. Collection method: in vitro. Allele origin: not applicable. Functional consequence: retained intron. Not counted in ClinVar's aggregate classification.

Dr. Peter K. Rogan Lab, Western University
No classification provided (evidence only). Condition: Uterine carcinosarcoma. Review status: no classification provided. Collection method: in vitro. Allele origin: not applicable. Functional consequence: retained intron. Not counted in ClinVar's aggregate classification.

Dr. Peter K. Rogan Lab, Western University
No classification provided (evidence only). Condition: Uterine carcinosarcoma. Review status: no classification provided. Collection method: in vitro. Allele origin: not applicable. Functional consequence: retained intron. Not counted in ClinVar's aggregate classification.

Dr. Peter K. Rogan Lab, Western University
No classification provided (evidence only). Condition: Uterine carcinosarcoma. Review status: no classification provided. Collection method: in vitro. Allele origin: not applicable. Functional consequence: retained intron. Not counted in ClinVar's aggregate classification.

Dr. Peter K. Rogan Lab, Western University
No classification provided (evidence only). Condition: Uterine carcinosarcoma. Review status: no classification provided. Collection method: in vitro. Allele origin: not applicable. Functional consequence: retained intron. Not counted in ClinVar's aggregate classification.

NM_052865.4(MGME1):c.43A>T (p.Ser15Cys)

Genes: MGME1 (mitochondrial genome maintenance exonuclease 1; plus strand), LOC126862983 (CDK7 strongly-dependent group 2 enhancer GRCh37_chr20:17950167-17951366; plus strand). Cytogenetic location: 20p11.23.
Variant type: single nucleotide variant.
Coding change: c.43A>T on transcript NM_052865.4 (MANE Select); coding-DNA position 43, A replaced by T.
Protein change: p.Ser15Cys; replaces serine 15 with cysteine.
Molecular consequence: missense variant.
Genome position (GRCh38, 1-based): chr20:17,969,902, A>T. VCF-style: chr20-17969902-A-T. GRCh37 (hg19) VCF-style: chr20-17950545-A-T.
Other names: c.43A>T, p.Ser15Cys (NM_001310338.2, NM_001310339.2, NM_001363738.2); short protein forms S15C.
Identifiers: ClinVar variation 380041 (VCV000380041.17), dbSNP rs11551768, ClinGen allele CA9774866.
Genomic context (GRCh38, chr20:17,969,902, plus strand): 5'-AAGTGAAAACAAATCTGAATGAAGATGAAGTTATTTCAGACCATTTGCAGGCAGCTCAGG[A>T]GTTCAAAGTTTTCTGTGGAATCAGCTGCCCTTGTGGCTTTCTCTACTTCCTCTTACTCAT-3'
Protein context (NP_443097.1, residues 5-25): LFQTICRQLR[Ser15Cys]SKFSVESAAL